The following is an entry in ClinVar:

NM_000939.4(POMC):c.158A>C (p.Asp53Ala)

Genes: POMC (proopiomelanocortin; minus strand), LOC129933280 (ATAC-STARR-seq lymphoblastoid silent region 11244; plus strand). Cytogenetic location: 2p23.3.
Variant type: single nucleotide variant.
Coding change: c.158A>C on transcript NM_000939.4 (MANE Select); coding-DNA position 158, A replaced by C.
Protein change: p.Asp53Ala; replaces aspartic acid 53 with alanine.
Molecular consequence: missense variant.
Genome position (GRCh38, 1-based): chr2:25,161,727, T>G on the plus strand (A>C on the coding strand, the complement: POMC is on the minus strand). VCF-style: chr2-25161727-T-G. GRCh37 (hg19) VCF-style: chr2-25384596-T-G.
Other names: c.158A>C, p.Asp53Ala (NM_001035256.3, NM_001319204.2, NM_001319205.2); short protein forms D53A.
Identifiers: ClinVar variation 3351057 (VCV003351057.1).

ClinVar aggregate classification (germline): Uncertain significance (0 of 4 stars; one submission).

Conditions:
POMC-related disorder. Also called: POMC-related disorders; POMC-related condition.

gnomAD v4.1: 2 of 1,593,982 alleles (0.00013%); highest among the groups gnomAD compares: Admixed American, 0.0017%; no homozygotes.

Submission:

PreventionGenetics, part of Exact Sciences
Classification: Uncertain significance for POMC-related condition. Last evaluated: 2024-03-27. Review status: no assertion criteria provided. Collection method: clinical testing. Allele origin: germline.
Comment: The POMC c.158A>C variant is predicted to result in the amino acid substitution p.Asp53Ala. To our knowledge, this variant has not been reported in the literature or in a large population database, indicating this variant is rare. At this time, the clinical significance of this variant is uncertain due to the absence of conclusive functional and genetic evidence.